The following is an entry in ClinVar:

NM_017636.4(TRPM4):c.1735T>C (p.Trp579Arg)

Gene: TRPM4 (transient receptor potential cation channel subfamily M member 4; plus strand). Cytogenetic location: 19q13.33.
Variant type: single nucleotide variant.
Coding change: c.1735T>C on transcript NM_017636.4 (MANE Select); coding-DNA position 1735, T replaced by C.
Protein change: p.Trp579Arg; replaces tryptophan 579 with arginine.
Molecular consequence: missense variant.
Genome position (GRCh38, 1-based): chr19:49,183,204, T>C. VCF-style: chr19-49183204-T-C. GRCh37 (hg19) VCF-style: chr19-49686461-T-C.
Other names: c.1735T>C, p.Trp579Arg (NM_001195227.2); c.1390T>C, p.Trp464Arg (NM_001321281.2); c.127T>C, p.Trp43Arg (NM_001321282.2); c.1213T>C, p.Trp405Arg (NM_001321283.2); c.673T>C, p.Trp225Arg (NM_001321285.2); short protein forms W225R, W405R, W43R, W464R, W579R.
Identifiers: ClinVar variation 3373639 (VCV003373639.1).

ClinVar aggregate classification (germline): Uncertain significance (1 of 4 stars; one submission).

Submission:

GeneDx
Classification: Uncertain significance. Last evaluated: 2024-03-01. Review status: criteria provided, single submitter. Criteria: GeneDx Variant Classification Process June 2021. Collection method: clinical testing. Allele origin: germline. Affected: yes.
Comment: Not observed at significant frequency in large population cohorts (gnomAD); In silico analysis supports that this missense variant has a deleterious effect on protein structure/function; Has not been previously published as pathogenic or benign to our knowledge